The following is an entry in ClinVar:

NM_001127222.2(CACNA1A):c.4917C>T (p.Gly1639=)

Gene: CACNA1A (calcium voltage-gated channel subunit alpha1 A; minus strand). Cytogenetic location: 19p13.13.
Variant type: single nucleotide variant.
Coding change: c.4917C>T on transcript NM_001127222.2 (MANE Select); coding-DNA position 4917, C replaced by T.
Protein change: p.Gly1639=; no amino-acid change (glycine 1639 retained).
Molecular consequence: synonymous variant.
Genome position (GRCh38, 1-based): chr19:13,245,215, G>A on the plus strand (C>T on the coding strand, the complement: CACNA1A is on the minus strand). VCF-style: chr19-13245215-G-A. GRCh37 (hg19) VCF-style: chr19-13356029-G-A.
Other names: c.4929C>T, p.Gly1643= (NM_000068.4, NM_023035.3); c.4920C>T, p.Gly1640= (NM_001127221.2, NM_001174080.2).
Identifiers: ClinVar variation 2938696 (VCV002938696.5), dbSNP rs1008909052, ClinGen allele CA505658881.
Genomic context (GRCh38, chr19:13,245,215, plus strand): 5'-CCAGAGAGAAGCTGGAGGGAGACTTACCCCAAACTCAGTCACGAGGATATCGGTGATGCT[G>A]CCCAGAACAGTCACAAAGTCGAAGATGTTCCAGGCATCGCGGAAATAATTCTAGAATGGG-3'
Protein context (NP_001120694.1, residues 1629-1649): WNIFDFVTVL[Gly1639=]SITDILVTEF

ClinVar aggregate classification (germline): Likely benign. Review status: criteria provided, multiple submitters, no conflicts (2 of 4 stars). 2 submissions from 2 submitters: Likely benign (2). Last evaluated 2026-04-01.

Conditions:
Episodic ataxia type 2 (EA2). Also called: ATAXIA, EPISODIC, WITH NYSTAGMUS; ATAXIA, FAMILIAL PAROXYSMAL; CEREBELLAR ATAXIA, PAROXYSMAL, ACETAZOLAMIDE-RESPONSIVE; CEREBELLOPATHY, HEREDITARY PAROXYSMAL; EPISODIC ATAXIA, NYSTAGMUS-ASSOCIATED; ACETAZOLAMIDE-RESPONSIVE HEREDITARY PAROXYSMAL CEREBELLAR ATAXIA. Identifiers: Orphanet 97, MedGen C1720416, MONDO:0007163, OMIM 108500.
Developmental and epileptic encephalopathy, 42 (DEE42A). Also called: Epileptic encephalopathy, early infantile, 42; DEVELOPMENTAL AND EPILEPTIC ENCEPHALOPATHY 42A; EPILEPTIC ENCEPHALOPATHY, EARLY INFANTILE, 42A. Identifiers: MedGen C4310716, MONDO:0014917, OMIM 617106.

gnomAD v4.1: 10 of 1,613,918 alleles (0.00062%); highest among the groups gnomAD compares: Non-Finnish European, 0.00085%; no homozygotes.

Submissions (2):

CeGaT Center for Human Genetics Tuebingen
Classification: Likely benign. Last evaluated: 2026-04-01. Review status: criteria provided, single submitter. Criteria: CeGaT Center For Human Genetics Tuebingen Variant Classification Criteria Version 2. Collection method: clinical testing. Allele origin: germline. Affected: yes. Observed: 1 variant allele.
Comment: CACNA1A: BP4, BP7

Labcorp Genetics (formerly Invitae), Labcorp
Classification: Likely benign for Developmental and epileptic encephalopathy, 42; Episodic ataxia type 2. Last evaluated: 2023-12-06. Review status: criteria provided, single submitter. Criteria: Invitae Variant Classification Sherloc (09022015). Collection method: clinical testing. Allele origin: germline.